The following is an entry in ClinVar:

ClinVar aggregate classification (germline): Uncertain significance. Review status: criteria provided, multiple submitters, no conflicts (2 of 4 stars). 6 submissions from 6 submitters: Uncertain significance (6). Last evaluated 2026-09-01.

Conditions:
TTN-related disorder. Also called: TTN-related disorders; TTN-related condition; TTN-related disease.
Hypertrophic cardiomyopathy 9. Also called: Familial hypertrophic cardiomyopathy 9. Identifiers: MedGen C1861065, MONDO:0013412, OMIM 613765.
Autosomal recessive limb-girdle muscular dystrophy type 2J (LGMDR10). Also called: MUSCULAR DYSTROPHY, LIMB-GIRDLE, AUTOSOMAL RECESSIVE 10; Limb-girdle muscular dystrophy, type 2J. Identifiers: Orphanet 140922, MedGen C1837342, MONDO:0012127, OMIM 608807.
Tibial muscular dystrophy (TMD). Also called: UDD MYOPATHY; Udd Distal Myopathy – Tibial Muscular Dystrophy; Tibial muscular dystrophy, tardive. Identifiers: Orphanet 609, MedGen C1838244, MONDO:0010870, OMIM 600334.
Early-onset myopathy with fatal cardiomyopathy (CMYO5). Also called: CONGENITAL MYOPATHY 5 WITH CARDIOMYOPATHY; Salih Myopathy. Identifiers: Orphanet 289377, MedGen C2673677, MONDO:0012714, OMIM 611705. Disease mechanism: loss of function.
Myopathy, myofibrillar, 9, with early respiratory failure (MFM9). Also called: Myopathy, distal, with early respiratory failure, autosomal dominant; MYOPATHY, PROXIMAL, WITH EARLY RESPIRATORY MUSCLE INVOLVEMENT; Hereditary myopathy with early respiratory failure; EDSTROM MYOPATHY. Identifiers: Orphanet 178464, Orphanet 34521, MedGen C1863599, MONDO:0011362, OMIM 603689.
Dilated cardiomyopathy 1G (CMD1G). Identifiers: Orphanet 154, MedGen C1858763, MONDO:0011400, OMIM 604145.

Allele frequency attached by ClinVar (database versions not stated): gnomAD exomes 0.00002; gnomAD 0.00004 and 0.00005; TOPMed 0.00004.
gnomAD v4.1: 35 of 1,614,022 alleles (0.0022%); highest among the groups gnomAD compares: Non-Finnish European, 0.003%; no homozygotes.

Submissions (6):

PreventionGenetics, part of Exact Sciences
Classification: Uncertain significance for TTN-related condition. Last evaluated: 2026-09-01. Review status: criteria provided, single submitter. Criteria: ACMG Guidelines, 2015. Collection method: clinical testing. Allele origin: germline.
Comment: The TTN c.656C>T variant is predicted to result in the amino acid substitution p.Thr219Ile. To our knowledge, this variant has not been reported in the literature. This variant is reported in 0.0047% of alleles in individuals of European (Non-Finnish) descent in gnomAD. At this time, the clinical significance of this variant is uncertain due to the absence of conclusive functional and genetic evidence.

GeneDx
Classification: Uncertain significance. Last evaluated: 2025-07-24. Review status: criteria provided, single submitter. Criteria: GeneDx Variant Classification Process June 2021. Collection method: clinical testing. Allele origin: germline. Affected: yes.
Comment: Not observed at significant frequency in large population cohorts (gnomAD); Missense variant in a gene in which most reported pathogenic variants are truncating/loss-of-function; Has not been previously published as pathogenic or benign to our knowledge

Mayo Clinic Laboratories, Mayo Clinic
Classification: Uncertain significance. Last evaluated: 2025-06-11. Review status: criteria provided, single submitter. Criteria: ACMG Guidelines, 2015. Collection method: clinical testing. Allele origin: germline. Observed: 1 variant allele.

CeGaT Center for Human Genetics Tuebingen
Classification: Uncertain significance. Last evaluated: 2023-11-01. Review status: criteria provided, single submitter. Criteria: CeGaT Center For Human Genetics Tuebingen Variant Classification Criteria Version 2. Collection method: clinical testing. Allele origin: germline. Affected: yes. Observed: 4 variant alleles.
Comment: TTN: PM2

Fulgent Genetics
Classification: Uncertain significance for Tibial muscular dystrophy; Myopathy, myofibrillar, 9, with early respiratory failure; Dilated cardiomyopathy 1G; Autosomal recessive limb-girdle muscular dystrophy type 2J; Early-onset myopathy with fatal cardiomyopathy; Hypertrophic cardiomyopathy 9. Last evaluated: 2021-08-05. Review status: criteria provided, single submitter. Criteria: ACMG Guidelines, 2015. Collection method: clinical testing. Allele origin: unknown.

Eurofins Ntd Llc (ga)
Classification: Uncertain significance. Last evaluated: 2018-07-18. Review status: criteria provided, single submitter. Criteria: EGL ClinVar v180209 classification definitions. Collection method: clinical testing. Allele origin: germline. Observed: 2 variant alleles, 2 heterozygotes.

NM_001267550.2(TTN):c.656C>T (p.Thr219Ile)

Gene: TTN (titin; minus strand). Cytogenetic location: 2q31.2.
Variant type: single nucleotide variant.
Coding change: c.656C>T on transcript NM_001267550.2 (MANE Select); coding-DNA position 656, C replaced by T.
Protein change: p.Thr219Ile; replaces threonine 219 with isoleucine.
Molecular consequence: missense variant.
Genome position (GRCh38, 1-based): chr2:178,799,838, G>A on the plus strand (C>T on the coding strand, the complement: TTN is on the minus strand). VCF-style: chr2-178799838-G-A. GRCh37 (hg19) VCF-style: chr2-179664565-G-A.
Other names: p.Thr219Ile; c.656C>T (NM_001267550.1); c.656C>T, p.Thr219Ile (NM_001256850.1, NM_003319.4, NM_133378.4 and 3 more transcripts); short protein forms T219I.
Identifiers: ClinVar variation 592952 (VCV000592952.50), dbSNP rs926062512, ClinGen allele CA60988148.